The following is an entry in ClinVar:

ClinVar aggregate classification (germline): Benign/Likely benign. Review status: criteria provided, multiple submitters, no conflicts (2 of 4 stars). 10 submissions from 10 submitters: Benign (7); Likely benign (1). 2 of the submissions do not count toward it. Last evaluated 2026-02-04.

Conditions:
Asphyxiating thoracic dystrophy 3. Also called: SHORT-RIB THORACIC DYSPLASIA 3 WITH OR WITHOUT POLYDACTYLY; POLYDACTYLY WITH NEONATAL CHONDRODYSTROPHY, TYPE I; SHORT-RIB THORACIC DYSPLASIA 3/6 WITH POLYDACTYLY, DIGENIC; Short rib polydactyly syndrome 2B; Saldino-Noonan Syndrome. Identifiers: Orphanet 474, Orphanet 93269, Orphanet 93270, Orphanet 93271, MedGen C0036069, MONDO:0013127, OMIM 613091.
Jeune thoracic dystrophy. Also called: Infantile thoracic dystrophy; Thoracic pelvic phalangeal dystrophy; Jeune's syndrome; Chondroectodermal dysplasia-like syndrome; Short-rib thoracic dysplasia; Jeune syndrome. Identifiers: Orphanet 474, MedGen C0265275, MONDO:0018770.

Allele frequency attached by ClinVar (database versions not stated): 1000 Genomes Project 30x 0.00781; 1000 Genomes Project 0.00839; ESP Exome Variant Server 0.01216; gnomAD 0.01403 and 0.01409; TOPMed 0.01481; gnomAD exomes 0.01604 and 0.01667; ExAC 0.02175.
gnomAD v4.1: 25,752 of 1,561,178 alleles (1.6%); highest among the groups gnomAD compares: Middle Eastern, 3.7%; 258 homozygotes.

Submissions (10):

Labcorp Genetics (formerly Invitae), Labcorp
Classification: Benign for Jeune thoracic dystrophy. Last evaluated: 2026-02-04. Review status: criteria provided, single submitter. Criteria: Invitae Variant Classification Sherloc (09022015). Collection method: clinical testing. Allele origin: germline.

Blueprint Genetics
Classification: Benign. Last evaluated: 2024-11-27. Review status: criteria provided, single submitter. Criteria: ACMG Guidelines, 2015. Collection method: clinical testing. Allele origin: germline.

ARUP Laboratories, Molecular Genetics and Genomics, ARUP Laboratories
Classification: Benign for Asphyxiating thoracic dystrophy 3. Last evaluated: 2024-11-25. Review status: criteria provided, single submitter. Criteria: ARUP Molecular Germline Variant Investigation Process 2024. Collection method: clinical testing. Allele origin: germline.

Mayo Clinic Laboratories, Mayo Clinic
Classification: Benign. Last evaluated: 2023-11-02. Review status: criteria provided, single submitter. Criteria: ACMG Guidelines, 2015. Collection method: clinical testing. Allele origin: germline. Observed: 2 variant alleles.
Comment: BS1, BS2, BP4, BP7

Illumina Laboratory Services, Illumina
Classification: Benign for Asphyxiating thoracic dystrophy 3. Last evaluated: 2018-01-13. Review status: criteria provided, single submitter. Criteria: ICSL Variant Classification Criteria 13 December 2019. Collection method: clinical testing. Allele origin: germline.
Comment: This variant was observed in the ICSL laboratory as part of a predisposition screen in an ostensibly healthy population. It had not been previously curated by ICSL or reported in the Human Gene Mutation Database (HGMD: prior to June 1st, 2018), and was therefore a candidate for classification through an automated scoring system. Utilizing variant allele frequency, disease prevalence and penetrance estimates, and inheritance mode, an automated score was calculated to assess if this variant is too frequent to cause the disease. Based on the score and internal cut-off values, a variant classified as benign is not then subjected to further curation. The score for this variant resulted in a classification of benign for this disease.

Eurofins Ntd Llc (ga)
Classification: Benign. Last evaluated: 2017-05-17. Review status: criteria provided, single submitter. Criteria: EGL Classification Definitions 2015. Collection method: clinical testing. Allele origin: germline. Observed: 1 variant allele, 1 heterozygote.

GeneDx
Classification: Benign. Last evaluated: 2016-03-03. Review status: criteria provided, single submitter. Criteria: GeneDx Variant Classification (06012015). Collection method: clinical testing. Allele origin: germline. Affected: yes.
Comment: This variant is considered likely benign or benign based on one or more of the following criteria: it is a conservative change, it occurs at a poorly conserved position in the protein, it is predicted to be benign by multiple in silico algorithms, and/or has population frequency not consistent with disease.

Breakthrough Genomics
Classification: Likely benign. Review status: criteria provided, single submitter. Criteria: ACMG Guidelines, 2015. Collection method: not provided. Allele origin: germline. Inheritance: Autosomal recessive inheritance. Affected: yes.

Clinical Genetics DNA and cytogenetics Diagnostics Lab, Erasmus MC, Erasmus Medical Center
Classification: Likely benign. Review status: no assertion criteria provided. Collection method: clinical testing. Allele origin: germline. Affected: yes. Study: VKGL Data-share Consensus. Not counted in ClinVar's aggregate classification.

Joint Genome Diagnostic Labs from Nijmegen and Maastricht, Radboudumc and MUMC+
Classification: Benign. Review status: no assertion criteria provided. Collection method: clinical testing. Allele origin: germline. Affected: yes. Study: VKGL Data-share Consensus. Not counted in ClinVar's aggregate classification.

NM_001377.3(DYNC2H1):c.1233A>G (p.Gln411=)

Gene: DYNC2H1 (dynein cytoplasmic 2 heavy chain 1; plus strand). Cytogenetic location: 11q22.3.
Variant type: single nucleotide variant.
Coding change: c.1233A>G on transcript NM_001377.3 (MANE Select); coding-DNA position 1233, A replaced by G.
Protein change: p.Gln411=; no amino-acid change (glutamine 411 retained).
Molecular consequence: synonymous variant.
Genome position (GRCh38, 1-based): chr11:103,120,787, A>G. VCF-style: chr11-103120787-A-G. GRCh37 (hg19) VCF-style: chr11-102991516-A-G.
Other names: p.Gln411=; c.1233A>G, p.Gln411= (NM_001080463.2).
Identifiers: ClinVar variation 302010 (VCV000302010.38), dbSNP rs116888435, ClinGen allele CA6252712.